The following is an entry in ClinVar:

NM_001308093.3(GATA4):c.330C>A (p.Phe110Leu)

Gene: GATA4 (GATA binding protein 4). Cytogenetic location: 8p23.1.
Variant type: single nucleotide variant.
Coding change: c.330C>A on transcript NM_001308093.3 (MANE Select); coding-DNA position 330, C replaced by A.
Protein change: p.Phe110Leu; replaces phenylalanine 110 with leucine.
Molecular consequence: missense variant. On other transcripts: intron variant (3).
Genome position (GRCh38, 1-based): chr8:11,708,642, C>A. VCF-style: chr8-11708642-C-A. GRCh37 (hg19) VCF-style: chr8-11566151-C-A.
Other names: c.330C>A, p.Phe110Leu (NM_002052.5); c.-6+7864C>A (NM_001308094.2); c.-3+628C>A (NM_001374274.1); c.-3+4338C>A (NM_001374273.1); short protein forms F110L.
Identifiers: ClinVar variation 864126 (VCV000864126.10), dbSNP rs779273192, ClinGen allele CA172074790.

ClinVar aggregate classification (germline): Uncertain significance. Review status: criteria provided, multiple submitters, no conflicts (2 of 4 stars). 2 submissions from 2 submitters: Uncertain significance (2). Last evaluated 2025-02-10.

Conditions:
Atrioventricular septal defect 4 (AVSD4). Identifiers: MedGen C3280781, MONDO:0013747, OMIM 614430.

Submissions (2):

GeneDx
Classification: Uncertain significance. Last evaluated: 2025-02-10. Review status: criteria provided, single submitter. Criteria: GeneDx Variant Classification Process June 2021. Collection method: clinical testing. Allele origin: germline. Affected: yes.
Comment: Not observed at significant frequency in large population cohorts (gnomAD); In silico analysis supports that this missense variant has a deleterious effect on protein structure/function; Has not been previously published as pathogenic or benign to our knowledge

Labcorp Genetics (formerly Invitae), Labcorp
Classification: Uncertain significance for Atrioventricular septal defect 4. Last evaluated: 2019-04-26. Review status: criteria provided, single submitter. Criteria: Invitae Variant Classification Sherloc (09022015). Collection method: clinical testing. Allele origin: germline.
Comment: This sequence change replaces phenylalanine with leucine at codon 110 of the GATA4 protein (p.Phe110Leu). The phenylalanine residue is moderately conserved and there is a small physicochemical difference between phenylalanine and leucine. The frequency data for this variant in the population databases is considered unreliable, as metrics indicate insufficient coverage at this position in the ExAC database. This variant has not been reported in the literature in individuals with GATA4-related conditions. Algorithms developed to predict the effect of missense changes on protein structure and function (SIFT, PolyPhen-2, Align-GVGD) all suggest that this variant is likely to be tolerated, but these predictions have not been confirmed by published functional studies and their clinical significance is uncertain. In summary, the available evidence is currently insufficient to determine the role of this variant in disease. Therefore, it has been classified as a Variant of Uncertain Significance.